The following is an entry in ClinVar:

ClinVar aggregate classification (germline): Uncertain significance (1 of 4 stars; one submission).

Submission:

Labcorp Genetics (formerly Invitae), Labcorp
Classification: Uncertain significance. Last evaluated: 2026-01-22. Review status: criteria provided, single submitter. Criteria: Invitae Variant Classification Sherloc (09022015). Collection method: clinical testing. Allele origin: germline.
Comment: This sequence change replaces serine, which is neutral and polar, with cysteine, which is neutral and slightly polar, at codon 668 of the UNC45A protein (p.Ser668Cys). This variant is not present in population databases (gnomAD no frequency). This variant has not been reported in the literature in individuals affected with UNC45A-related conditions. Invitae Evidence Modeling of protein sequence and biophysical properties (such as structural, functional, and spatial information, amino acid conservation, physicochemical variation, residue mobility, and thermodynamic stability) indicates that this missense variant is not expected to disrupt UNC45A protein function with a negative predictive value of 80%. In summary, the available evidence is currently insufficient to determine the role of this variant in disease. Therefore, it has been classified as a Variant of Uncertain Significance.

NM_018671.5(UNC45A):c.2003C>G (p.Ser668Cys)

Gene: UNC45A (unc-45 myosin chaperone A; plus strand). Cytogenetic location: 15q26.1.
Variant type: single nucleotide variant.
Coding change: c.2003C>G on transcript NM_018671.5 (MANE Select); coding-DNA position 2003, C replaced by G.
Protein change: p.Ser668Cys; replaces serine 668 with cysteine.
Molecular consequence: missense variant.
Genome position (GRCh38, 1-based): chr15:90,949,440, C>G. VCF-style: chr15-90949440-C-G. GRCh37 (hg19) VCF-style: chr15-91492670-C-G.
Other names: c.1958C>G, p.Ser653Cys (NM_001039675.2, NM_001323621.2); c.2003C>G, p.Ser668Cys (NM_001323619.1); c.1568C>G, p.Ser523Cys (NM_001323620.2); short protein forms S668C, S653C, S523C.
Identifiers: ClinVar variation 4743720 (VCV004743720.1).